The following is an entry in ClinVar:

ClinVar aggregate classification (germline): Pathogenic (1 of 4 stars; one submission).

Conditions:
Anauxetic dysplasia. Identifiers: Orphanet 93347, MedGen C1846796, MONDO:0011773.

Submission:

Labcorp Genetics (formerly Invitae), Labcorp
Classification: Pathogenic for Anauxetic dysplasia. Last evaluated: 2026-01-03. Review status: criteria provided, single submitter. Criteria: Invitae Variant Classification Sherloc (09022015). Collection method: clinical testing. Allele origin: germline.
Comment: This variant occurs in the RMRP gene, which encodes an RNA molecule that does not result in a protein product. This variant is not present in population databases (gnomAD no frequency). While this particular variant has not been reported in the literature, it is located in the promoter region between the TATA box and the transcription initiation site, and other insertions and duplications immediately upstream of the coding sequence have been reported in individuals affected with cartilage-hair hypoplasia-anauxetic dysplasia (CHH-AD) spectrum disorders (PMID: 16244706, 11207361, 12107819). While functional studies for this variant have not been reported, experimental analyses using patient derived cells, as well as in vitro transfection studies, have shown that promoter insertions result in silencing of RMRP transcription and reduced expression of the gene product (PMID: 11207361, 16254002). For these reasons, this variant has been classified as Pathogenic.

Literature cited by the submitters: PubMed 16244706; PubMed 11207361; PubMed 12107819; PubMed 16254002.

NC_000009.12:g.35658038_35658039insACAGCTTCACAGAG

Gene: RMRP (RNA component of mitochondrial RNA processing endoribonuclease; minus strand). Cytogenetic location: 9p13.3.
Variant type: Insertion.
Genome position: GRCh38 VCF-style: chr9-35658025-T-TCAGCTTCACAGAGA. GRCh37 (hg19) VCF-style: chr9-35658022-T-TCAGCTTCACAGAGA.
Identifiers: ClinVar variation 4806740 (VCV004806740.1).